The following is an entry in ClinVar:

NM_003242.6(TGFBR2):c.1589C>T (p.Thr530Ile)

Gene: TGFBR2 (transforming growth factor beta receptor 2; plus strand). Cytogenetic location: 3p24.1.
Variant type: single nucleotide variant.
Coding change: c.1589C>T on transcript NM_003242.6 (MANE Select); coding-DNA position 1589, C replaced by T.
Protein change: p.Thr530Ile; replaces threonine 530 with isoleucine.
Molecular consequence: missense variant.
Genome position (GRCh38, 1-based): chr3:30,691,484, C>T. VCF-style: chr3-30691484-C-T. GRCh37 (hg19) VCF-style: chr3-30732976-C-T.
Other names: c.1664C>T, p.Thr555Ile (NM_001024847.3); c.1772C>T, p.Thr591Ile (NM_001407126.1); c.1697C>T, p.Thr566Ile (NM_001407127.1); c.1616C>T, p.Thr539Ile (NM_001407128.1); c.1592C>T, p.Thr531Ile (NM_001407129.1); c.1586C>T, p.Thr529Ile (NM_001407130.1); c.1484C>T, p.Thr495Ile (NM_001407132.1, NM_001407133.1, NM_001407134.1 and 2 more transcripts); c.1304C>T, p.Thr435Ile (NM_001407137.1); and 2 more; short protein forms T530I, T495I, T529I, T531I, T410I, T555I, T240I, T435I.
Identifiers: ClinVar variation 1775863 (VCV001775863.2), dbSNP rs1699708963, ClinGen allele CA351809617.

ClinVar aggregate classification (germline): Likely pathogenic (1 of 4 stars; one submission).

Conditions:
Familial thoracic aortic aneurysm and aortic dissection (TAAD). Also called: Thoracic aortic aneurysms and dissections. Identifiers: Orphanet 91387, MedGen C4707243, MONDO:0019625.

Submission:

Ambry Genetics
Classification: Likely pathogenic for Familial thoracic aortic aneurysm and aortic dissection. Last evaluated: 2019-05-09. Review status: criteria provided, single submitter. Criteria: Ambry Variant Classification Scheme 2023. Collection method: clinical testing. Allele origin: germline.
Comment: The p.T530I variant (also known as c.1589C>T), located in coding exon 7 of the TGFBR2 gene, results from a C to T substitution at nucleotide position 1589. The threonine at codon 530 is replaced by isoleucine, an amino acid with similar properties, and is located in the kinase domain. This variant has been reported in individuals with Marfan-like features and/or Loeys-Dietz syndrome (Chung BH et al. Am. J. Med. Genet. A, 2009 Jul;149A:1452-9; Jondeau G et al. Circ Cardiovasc Genet, 2016 Dec;9:548-558; Seo GH et al. Medicine (Baltimore), 2018 May;97:e10767). This variant was not reported in population-based cohorts in the Genome Aggregation Database (gnomAD) (Lek M et al. Nature, 2016 08;536:285-91). This amino acid position is highly conserved in available vertebrate species. In addition, this alteration is predicted to be deleterious by in silico analysis. Based on the majority of available evidence to date, this variant is likely to be pathogenic.

Literature cited by the submitters: PubMed 19533785; PubMed 27879313; PubMed 29768367.